The following is an entry in ClinVar:

ClinVar aggregate classification (germline): Uncertain significance. Review status: criteria provided, multiple submitters, no conflicts (2 of 4 stars). 2 submissions from 2 submitters: Uncertain significance (2). Last evaluated 2021-03-10.

Conditions:
Hereditary cancer-predisposing syndrome. Also called: Hereditary neoplastic syndrome; Tumor predisposition; Neoplastic Syndromes, Hereditary; Hereditary Cancer Syndrome. Identifiers: Orphanet 140162, MedGen C0027672, MeSH D009386, MONDO:0015356.

Submissions (2):

Labcorp Genetics (formerly Invitae), Labcorp
Classification: Uncertain significance. Last evaluated: 2021-03-10. Review status: criteria provided, single submitter. Criteria: Invitae Variant Classification Sherloc (09022015). Collection method: clinical testing. Allele origin: germline.
Comment: This sequence change disrupts the translational stop signal of the NTHL1 mRNA. It is expected to extend the length of the NTHL1 protein by an uncertain number of additional amino acid residues. This variant is not present in population databases (ExAC no frequency). This variant has not been reported in the literature in individuals with NTHL1-related conditions. In summary, the available evidence is currently insufficient to determine the role of this variant in disease. Therefore, it has been classified as a Variant of Uncertain Significance.

Ambry Genetics
Classification: Uncertain significance for Hereditary cancer-predisposing syndrome. Last evaluated: 2021-01-14. Review status: criteria provided, single submitter. Criteria: Ambry Variant Classification Scheme 2023. Collection method: clinical testing. Allele origin: germline.
Comment: The c.939A>G variant (also known as p.*313Wext*37), located in coding exon 6 of the NTHL1 gene, results from an A to G substitution at nucleotide position 939. This alteration disrupts the stop codon of the NTHL1 gene and is predicted to preserve the native sequence while resulting in the elongation of the protein by 37 amino acids. The exact functional effect of the additional amino acids is unknown. Since supporting evidence is limited at this time, the clinical significance of this alteration remains unclear.

NM_002528.7(NTHL1):c.915A>G (p.Ter305Trp)

Gene: NTHL1 (nth like DNA glycosylase 1; minus strand). Cytogenetic location: 16p13.3.
Variant type: single nucleotide variant.
Coding change: c.915A>G on transcript NM_002528.7 (MANE Select); coding-DNA position 915, A replaced by G.
Protein change: p.Ter305Trp.
Molecular consequence: stop lost.
Genome position (GRCh38, 1-based): chr16:2,039,924, T>C on the plus strand (A>G on the coding strand, the complement: NTHL1 is on the minus strand). VCF-style: chr16-2039924-T-C. GRCh37 (hg19) VCF-style: chr16-2089925-T-C.
Other names: c.744A>G, p.Ter248Trp (NM_001318193.2); c.585A>G, p.Ter195Trp (NM_001318194.2).
Identifiers: ClinVar variation 1349444 (VCV001349444.10), dbSNP rs2150937695, ClinGen allele CA394286923.